The following is an entry in ClinVar:

ClinVar aggregate classification (germline): Benign/Likely benign. Review status: criteria provided, multiple submitters, no conflicts (2 of 4 stars). 5 submissions from 5 submitters: Benign (1); Likely benign (4). Last evaluated 2026-06-01.

Conditions:
Shashi-Pena syndrome (SHAPNS). Identifiers: Orphanet 689408, MedGen C4310672, MONDO:0014963, OMIM 617190.

Allele frequency attached by ClinVar (database versions not stated): 1000 Genomes Project 30x 0.00172; TOPMed 0.00182; 1000 Genomes Project 0.00200; ESP Exome Variant Server 0.00263; gnomAD exomes 0.00363 and 0.00495; gnomAD 0.00380 and 0.00401; ExAC 0.00527.
gnomAD v4.1: 5,870 of 1,613,978 alleles (0.36%); highest among the groups gnomAD compares: Non-Finnish European, 0.33%; 35 homozygotes.

Submissions (5):

CeGaT Center for Human Genetics Tuebingen
Classification: Likely benign. Last evaluated: 2026-06-01. Review status: criteria provided, single submitter. Criteria: CeGaT Center For Human Genetics Tuebingen Variant Classification Criteria Version 2. Collection method: clinical testing. Allele origin: germline. Affected: yes. Observed: 16 variant alleles.
Comment: ASXL2: BS1

Labcorp Genetics (formerly Invitae), Labcorp
Classification: Benign. Last evaluated: 2026-01-12. Review status: criteria provided, single submitter. Criteria: Invitae Variant Classification Sherloc (09022015). Collection method: clinical testing. Allele origin: germline.

Fulgent Genetics
Classification: Likely benign for Shashi-Pena syndrome. Last evaluated: 2021-10-22. Review status: criteria provided, single submitter. Criteria: ACMG Guidelines, 2015. Collection method: clinical testing. Allele origin: unknown.

Center for Pediatric Genomic Medicine, Children's Mercy Hospital and Clinics
Classification: Likely benign. Last evaluated: 2017-01-09. Review status: criteria provided, single submitter. Criteria: ACMG Guidelines, 2015. Collection method: clinical testing. Allele origin: germline.
ClinVar note: Converted during submission from Likely Benign to Likely benign.

Breakthrough Genomics
Classification: Likely benign. Review status: criteria provided, single submitter. Criteria: ACMG Guidelines, 2015. Collection method: not provided. Allele origin: germline. Inheritance: Autosomal dominant inheritance. Affected: yes.

NM_018263.6(ASXL2):c.4111C>A (p.Gln1371Lys)

Gene: ASXL2 (ASXL transcriptional regulator 2; minus strand). Cytogenetic location: 2p23.3.
Variant type: single nucleotide variant.
Coding change: c.4111C>A on transcript NM_018263.6 (MANE Select); coding-DNA position 4111, C replaced by A.
Protein change: p.Gln1371Lys; replaces glutamine 1371 with lysine.
Molecular consequence: missense variant.
Genome position (GRCh38, 1-based): chr2:25,742,226, G>T on the plus strand (C>A on the coding strand, the complement: ASXL2 is on the minus strand). VCF-style: chr2-25742226-G-T. GRCh37 (hg19) VCF-style: chr2-25965095-G-T.
Other names: c.3937C>A, p.Gln1313Lys (NM_001369346.1); c.3331C>A, p.Gln1111Lys (NM_001369347.1); short protein forms Q1371K, Q1313K, Q1111K.
Identifiers: ClinVar variation 377157 (VCV000377157.45), dbSNP rs115221221, ClinGen allele CA1557360.
Genomic context (GRCh38, chr2:25,742,226, plus strand): 5'-TCTCTTCGGAGAACGCCTGAACAGGAATGGTCTGGCCATGGCTGCTGGGATTCATAGCTT[G>T]GCTAGCAGGGATGGTAGTGACAGTCACTGAAAATGACATGACATCACCTACATTGCTAGA-3'
Protein context (NP_060733.4, residues 1361-1381): SVTVTTIPAS[Gln1371Lys]AMNPSSHGQT